The following is an entry in ClinVar:

NM_001042492.3(NF1):c.2349del (p.Lys783fs)

Gene: NF1 (neurofibromin 1; plus strand). Cytogenetic location: 17q11.2.
Variant type: Deletion.
Coding change: c.2349del on transcript NM_001042492.3 (MANE Select); coding-DNA position 2349, one base deleted (A; older notation c.2349delA).
Protein change: p.Lys783fs; shifts the reading frame from lysine 783.
Molecular consequence: frameshift variant.
Genome position (GRCh38, 1-based): chr17:31,227,546, A deleted; the last of 4 consecutive A bases (chr17:31,227,543-31,227,546); deleting any one gives the same sequence. VCF-style (leftmost placement, unchanged base first): chr17-31227542-CA-C. GRCh37 (hg19) VCF-style: chr17-29554560-CA-C.
Other names: c.2349delA, p.Lys783Asnfs (NM_000267.4, NM_001042492.2); short protein forms K783fs.
Identifiers: ClinVar variation 431606 (VCV000431606.2), dbSNP rs1135402829, ClinGen allele CA645373124.
Genomic context (GRCh38, chr17:31,227,542, plus strand): 5'-TAGACTAAGTTGCTTTCAAGTGATAATTGCCTTCATTTTAGGCTTGGGAAGATACACATG[CA>C]AAATGGGAACAAGCAACAAAGCTAATCCTTAACTATCCAAAAGCCAAAATGGAAGATGGC-3'

ClinVar aggregate classification (germline): Pathogenic. Review status: criteria provided, single submitter (1 of 4 stars). 2 submissions from 2 submitters: Pathogenic (1). 1 of the submissions does not count toward it. Last evaluated 2024-10-12.

Conditions:
Neurofibromatosis, type 1 (NF1). Also called: Neurofibromatosis, type I; NEUROFIBROMATOSIS, TYPE I, SOMATIC; Peripheral type neurofibromatosis; VON RECKLINGHAUSEN DISEASE. Identifiers: Orphanet 636, MedGen C0027831, MONDO:0018975, OMIM 162200. Disease mechanism: loss of function.

Submissions (2):

3billion
Classification: Pathogenic for Neurofibromatosis, type 1. Last evaluated: 2024-10-12. Review status: criteria provided, single submitter. Criteria: ACMG Guidelines, 2015. Collection method: clinical testing. Allele origin: germline. Affected: yes.
Comment: The variant is not observed in the gnomAD v4.1.0 dataset. Predicted Consequence/Location: Frameshift: predicted to result in a loss or disruption of normal protein function through nonsense-mediated decay (NMD) or protein truncation. Multiple pathogenic variants are reported downstream of the variant. The variant has been previously reported as de novo in a similarly affected individual (PMID: 28961165). The variant has been reported to be associated with NF1 related disorder (ClinVar ID: VCV000431606 /PMID: 28961165). Therefore, this variant is classified as Pathogenic according to the recommendation of ACMG/AMP guideline.

Medical Genetics, University of Parma
Classification: Pathogenic for Neurofibromatosis type 1. Last evaluated: 2017-02-02. Review status: no assertion criteria provided. Collection method: clinical testing. Allele origin: germline. Affected: yes. Not counted in ClinVar's aggregate classification.

Literature cited by the submitters: PubMed 28961165 (cited by 3billion).